The following is an entry in ClinVar:

NM_002473.6(MYH9):c.4025G>T (p.Arg1342Leu)

Gene: MYH9 (myosin heavy chain 9; minus strand). Cytogenetic location: 22q12.3.
Variant type: single nucleotide variant.
Coding change: c.4025G>T on transcript NM_002473.6 (MANE Select); coding-DNA position 4025, G replaced by T.
Protein change: p.Arg1342Leu; replaces arginine 1342 with leucine.
Molecular consequence: missense variant.
Genome position (GRCh38, 1-based): chr22:36,293,399, C>A on the plus strand (G>T on the coding strand, the complement: MYH9 is on the minus strand). VCF-style: chr22-36293399-C-A. GRCh37 (hg19) VCF-style: chr22-36689445-C-A.
Other names: short protein forms R1342L.
Identifiers: ClinVar variation 3765143 (VCV003765143.1).

ClinVar aggregate classification (germline): Uncertain significance (1 of 4 stars; one submission).

Submission:

Center for Genomic Medicine, Rigshospitalet, Copenhagen University Hospital
Classification: Uncertain significance. Last evaluated: 2025-03-04. Review status: criteria provided, single submitter. Criteria: ACMG Guidelines, 2015. Collection method: clinical testing. Allele origin: germline.
Comment: Classification criteria: PM2_Supporting